The following is an entry in ClinVar:

ClinVar aggregate classification (germline): Uncertain significance. Review status: criteria provided, multiple submitters, no conflicts (2 of 4 stars). 2 submissions from 2 submitters: Uncertain significance (2). Last evaluated 2022-11-08.

Conditions:
Joubert syndrome 15 (JBTS15). Identifiers: Orphanet 475, MedGen C3280897, MONDO:0013763, OMIM 614464.
Inborn genetic diseases. Identifiers: MedGen C0950123, MeSH D030342.

Allele frequency attached by ClinVar (database versions not stated): gnomAD exomes 0.00001 and 0.00002; TOPMed 0.00001; ExAC 0.00002.
gnomAD v4.1: 13 of 1,613,842 alleles (0.00081%); highest among the groups gnomAD compares: Admixed American, 0.0083%; no homozygotes.

Submissions (2):

Ambry Genetics
Classification: Uncertain significance for Inborn genetic diseases. Last evaluated: 2022-11-08. Review status: criteria provided, single submitter. Criteria: Ambry Variant Classification Scheme 2023. Collection method: clinical testing. Allele origin: germline.

Labcorp Genetics (formerly Invitae), Labcorp
Classification: Uncertain significance for Joubert syndrome 15. Last evaluated: 2021-10-10. Review status: criteria provided, single submitter. Criteria: Invitae Variant Classification Sherloc (09022015). Collection method: clinical testing. Allele origin: germline.
Comment: This sequence change replaces phenylalanine with leucine at codon 261 of the CEP41 protein (p.Phe261Leu). The phenylalanine residue is highly conserved and there is a small physicochemical difference between phenylalanine and leucine. This variant is present in population databases (rs782241458, ExAC 0.009%). This variant has not been reported in the literature in individuals affected with CEP41-related conditions. Algorithms developed to predict the effect of missense changes on protein structure and function (SIFT, PolyPhen-2, Align-GVGD) all suggest that this variant is likely to be tolerated. In summary, the available evidence is currently insufficient to determine the role of this variant in disease. Therefore, it has been classified as a Variant of Uncertain Significance.

NM_018718.3(CEP41):c.781T>C (p.Phe261Leu)

Gene: CEP41 (centrosomal protein 41; minus strand). Cytogenetic location: 7q32.2.
Variant type: single nucleotide variant.
Coding change: c.781T>C on transcript NM_018718.3 (MANE Select); coding-DNA position 781, T replaced by C.
Protein change: p.Phe261Leu; replaces phenylalanine 261 with leucine.
Molecular consequence: missense variant. On other transcripts: non-coding transcript variant (1), intron variant (2).
Genome position (GRCh38, 1-based): chr7:130,400,231, A>G on the plus strand (T>C on the coding strand, the complement: CEP41 is on the minus strand). VCF-style: chr7-130400231-A-G. GRCh37 (hg19) VCF-style: chr7-130040072-A-G.
Other names: c.709+476T>C (NM_001257159.2); c.757+476T>C (NM_001257158.2); c.781T>C (NM_018718.1); short protein forms F261L.
Identifiers: ClinVar variation 1417531 (VCV001417531.4), dbSNP rs782241458, ClinGen allele CA4485460.